The following is an entry in ClinVar:

NM_004320.6(ATP2A1):c.209G>A (p.Cys70Tyr)

Genes: ATP2A1 (ATPase sarcoplasmic/endoplasmic reticulum Ca2+ transporting 1; plus strand), ATP2A1-AS1 (ATP2A1 antisense RNA 1; minus strand). Cytogenetic location: 16p11.2.
Variant type: single nucleotide variant.
Coding change: c.209G>A on transcript NM_004320.6 (MANE Select); coding-DNA position 209, G replaced by A.
Protein change: p.Cys70Tyr; replaces cysteine 70 with tyrosine.
Molecular consequence: missense variant. On other transcripts: non-coding transcript variant (4).
Genome position (GRCh38, 1-based): chr16:28,879,573, G>A. VCF-style: chr16-28879573-G-A. GRCh37 (hg19) VCF-style: chr16-28890894-G-A.
Other names: c.209G>A, p.Cys70Tyr (NM_173201.5); short protein forms C70Y.
Identifiers: ClinVar variation 1937879 (VCV001937879.5), dbSNP rs2506239611, ClinGen allele CA395400159.

ClinVar aggregate classification (germline): Uncertain significance (1 of 4 stars; one submission).

Conditions:
Brody myopathy. Also called: BRODY DISEASE. Identifiers: Orphanet 53347, MedGen C1832918, MONDO:0010977, OMIM 601003.

Submission:

Labcorp Genetics (formerly Invitae), Labcorp
Classification: Uncertain significance for Brody myopathy. Last evaluated: 2022-07-30. Review status: criteria provided, single submitter. Criteria: Invitae Variant Classification Sherloc (09022015). Collection method: clinical testing. Allele origin: germline.
Comment: In summary, the available evidence is currently insufficient to determine the role of this variant in disease. Therefore, it has been classified as a Variant of Uncertain Significance. Algorithms developed to predict the effect of missense changes on protein structure and function are either unavailable or do not agree on the potential impact of this missense change (SIFT: "Deleterious"; PolyPhen-2: "Possibly Damaging"; Align-GVGD: "Class C0"). This variant has not been reported in the literature in individuals affected with ATP2A1-related conditions. This variant is not present in population databases (gnomAD no frequency). This sequence change replaces cysteine, which is neutral and slightly polar, with tyrosine, which is neutral and polar, at codon 70 of the ATP2A1 protein (p.Cys70Tyr).